The following is an entry in ClinVar:

NM_000057.4(BLM):c.3177del (p.Asp1060fs)

Gene: BLM (BLM RecQ like helicase; plus strand). Cytogenetic location: 15q26.1.
Variant type: Deletion.
Coding change: c.3177del on transcript NM_000057.4 (MANE Select); coding-DNA position 3177, one base deleted (A; older notation c.3177delA).
Protein change: p.Asp1060fs; shifts the reading frame from aspartic acid 1060.
Molecular consequence: frameshift variant.
Genome position (GRCh38, 1-based): chr15:90,794,324, A deleted. VCF-style (leftmost placement, unchanged base first): chr15-90794323-CA-C. GRCh37 (hg19) VCF-style: chr15-91337553-CA-C.
Other names: c.3177del, p.Asp1060fs (NM_001287246.2, NM_001287247.2); c.2052del, p.Asp685fs (NM_001287248.2); short protein forms D1060fs, D685fs.
Identifiers: ClinVar variation 2566812 (VCV002566812.2), dbSNP rs2505525644, ClinGen allele CA2580613330.

ClinVar aggregate classification (germline): Pathogenic (1 of 4 stars; one submission).

Conditions:
Hereditary cancer-predisposing syndrome. Also called: Hereditary neoplastic syndrome; Hereditary Cancer Syndrome; Neoplastic Syndromes, Hereditary; Tumor predisposition. Identifiers: Orphanet 140162, MedGen C0027672, MeSH D009386, MONDO:0015356.

Allele frequency attached by ClinVar (database versions not stated): gnomAD 0.00001.

Submission:

Ambry Genetics
Classification: Pathogenic for Hereditary cancer-predisposing syndrome. Last evaluated: 2023-04-21. Review status: criteria provided, single submitter. Criteria: Ambry Variant Classification Scheme 2023. Collection method: clinical testing. Allele origin: germline.
Comment: The c.3177delA pathogenic mutation, located in coding exon 15 of the BLM gene, results from a deletion of one nucleotide at nucleotide position 3177, causing a translational frameshift with a predicted alternate stop codon (p.D1060Mfs*18). This variant is considered to be rare based on population cohorts in the Genome Aggregation Database (gnomAD). This alteration is expected to result in loss of function by premature protein truncation or nonsense-mediated mRNA decay. As such, this alteration is interpreted as a disease-causing mutation.